The following is an entry in ClinVar:

ClinVar aggregate classification (germline): Uncertain significance (1 of 4 stars; one submission).

Conditions:
Spastic paraplegia. Identifiers: MedGen C0037772, HP:0001258.

Submission:

Labcorp Genetics (formerly Invitae), Labcorp
Classification: Uncertain significance for Spastic paraplegia. Last evaluated: 2023-12-25. Review status: criteria provided, single submitter. Criteria: Invitae Variant Classification Sherloc (09022015). Collection method: clinical testing. Allele origin: germline.
Comment: This sequence change replaces tyrosine, which is neutral and polar, with cysteine, which is neutral and slightly polar, at codon 936 of the KIF5A protein (p.Tyr936Cys). This variant is not present in population databases (gnomAD no frequency). This variant has not been reported in the literature in individuals affected with KIF5A-related conditions. ClinVar contains an entry for this variant (Variation ID: 2001037). Algorithms developed to predict the effect of missense changes on protein structure and function output the following: SIFT: "Not Available"; PolyPhen-2: "Benign"; Align-GVGD: "Not Available". The cysteine amino acid residue is found in multiple mammalian species, which suggests that this missense change does not adversely affect protein function. In summary, the available evidence is currently insufficient to determine the role of this variant in disease. Therefore, it has been classified as a Variant of Uncertain Significance.

NM_004984.4(KIF5A):c.2807A>G (p.Tyr936Cys)

Gene: KIF5A (kinesin family member 5A; plus strand). Cytogenetic location: 12q13.3.
Variant type: single nucleotide variant.
Coding change: c.2807A>G on transcript NM_004984.4 (MANE Select); coding-DNA position 2807, A replaced by G.
Protein change: p.Tyr936Cys; replaces tyrosine 936 with cysteine.
Molecular consequence: missense variant.
Genome position (GRCh38, 1-based): chr12:57,581,466, A>G. VCF-style: chr12-57581466-A-G. GRCh37 (hg19) VCF-style: chr12-57975249-A-G.
Other names: c.2540A>G, p.Tyr847Cys (NM_001354705.2); short protein forms Y847C, Y936C.
Identifiers: ClinVar variation 2001037 (VCV002001037.4), dbSNP rs2540515507, ClinGen allele CA385515739.